The following is an entry in ClinVar:

ClinVar aggregate classification (germline): Uncertain significance. Review status: criteria provided, multiple submitters, no conflicts (2 of 4 stars). 4 submissions from 4 submitters: Uncertain significance (3). 1 of the submissions does not count toward it. Last evaluated 2025-01-23.

Conditions:
Inborn genetic diseases. Identifiers: MedGen C0950123, MeSH D030342.
Nemaline myopathy 2 (NEM2). Also called: Nemaline myopathy 2, autosomal recessive. Identifiers: MedGen C1850569, MONDO:0009725, OMIM 256030.

Allele frequency attached by ClinVar (database versions not stated): gnomAD 0.00001.
gnomAD v4.1: 1 of 1,613,846 alleles (0.000062%); highest among the groups gnomAD compares: Non-Finnish European, 0.000085%; no homozygotes.

Submissions (4):

Ambry Genetics
Classification: Uncertain significance for Inborn genetic diseases. Last evaluated: 2025-01-23. Review status: criteria provided, single submitter. Criteria: Ambry Variant Classification Scheme 2023. Collection method: clinical testing. Allele origin: germline.

CeGaT Center for Human Genetics Tuebingen
Classification: Uncertain significance. Last evaluated: 2024-02-01. Review status: criteria provided, single submitter. Criteria: CeGaT Center For Human Genetics Tuebingen Variant Classification Criteria Version 2. Collection method: clinical testing. Allele origin: germline. Affected: yes. Observed: 1 variant allele.
Comment: NEB: PM2

Labcorp Genetics (formerly Invitae), Labcorp
Classification: Uncertain significance for Nemaline myopathy 2. Last evaluated: 2021-09-01. Review status: criteria provided, single submitter. Criteria: Invitae Variant Classification Sherloc (09022015). Collection method: clinical testing. Allele origin: germline.
Comment: This sequence change replaces glycine with arginine at codon 610 of the NEB protein (p.Gly610Arg). The glycine residue is moderately conserved and there is a moderate physicochemical difference between glycine and arginine. This variant is not present in population databases (ExAC no frequency). This variant has not been reported in the literature in individuals affected with NEB-related conditions. Algorithms developed to predict the effect of missense changes on protein structure and function are either unavailable or do not agree on the potential impact of this missense change (SIFT: "Deleterious"; PolyPhen-2: "Not Available"; Align-GVGD: "Class C0"). In summary, the available evidence is currently insufficient to determine the role of this variant in disease. Therefore, it has been classified as a Variant of Uncertain Significance.

Natera, Inc.
Classification: Uncertain significance for Nemaline myopathy type 2. Last evaluated: 2021-02-19. Review status: no assertion criteria provided. Collection method: clinical testing. Allele origin: germline. Not counted in ClinVar's aggregate classification.

NM_001164508.2(NEB):c.1828G>A (p.Gly610Arg)

Gene: NEB (nebulin; minus strand). Cytogenetic location: 2q23.3.
Variant type: single nucleotide variant.
Coding change: c.1828G>A on transcript NM_001164508.2 (MANE Select); coding-DNA position 1828, G replaced by A.
Protein change: p.Gly610Arg; replaces glycine 610 with arginine.
Molecular consequence: missense variant.
Genome position (GRCh38, 1-based): chr2:151,694,391, C>T on the plus strand (G>A on the coding strand, the complement: NEB is on the minus strand). VCF-style: chr2-151694391-C-T. GRCh37 (hg19) VCF-style: chr2-152550905-C-T.
Other names: c.1828G>A (NM_004543.4); c.1828G>A, p.Gly610Arg (NM_001164507.2, NM_001271208.2, NM_004543.5); short protein forms G610R.
Identifiers: ClinVar variation 648904 (VCV000648904.32), dbSNP rs1166853973, ClinGen allele CA348824433.